The following is an entry in ClinVar:

NM_001005273.3(CHD3):c.4077_4080delinsGTGGGGGTGGAGT (p.Asn1359_Gln1360delinsLysTrpGlyTrpSer)

Gene: CHD3 (chromodomain helicase DNA binding protein 3; plus strand). Cytogenetic location: 17p13.1.
Variant type: Indel.
Coding change: c.4077_4080delinsGTGGGGGTGGAGT on transcript NM_001005273.3 (MANE Select); coding-DNA positions 4077 to 4080, CCAG replaced by GTGGGGGTGGAGT.
Protein change: p.Asn1359_Gln1360delinsLysTrpGlyTrpSer.
Molecular consequence: inframe indel.
Genome position (GRCh38, 1-based): chr17:7,905,104-7,905,107, CCAG replaced by GTGGGGGTGGAGT. VCF-style: chr17-7905104-CCAG-GTGGGGGTGGAGT. GRCh37 (hg19) VCF-style: chr17-7808422-CCAG-GTGGGGGTGGAGT.
Other names: c.4254_4257delinsGTGGGGGTGGAGT, p.Asn1418_Gln1419delinsLysTrpGlyTrpSer (NM_001005271.3); c.4077_4080delinsGTGGGGGTGGAGT, p.Asn1359_Gln1360delinsLysTrpGlyTrpSer (NM_005852.4); c.4254_4257delCCAGinsGTGGGGGTGGAGT (NM_001005271.3).
Identifiers: ClinVar variation 1696512 (VCV001696512.1), dbSNP rs2151622456, ClinGen allele CA2580094861.

ClinVar aggregate classification (germline): Likely pathogenic (1 of 4 stars; one submission).

Conditions:
Snijders Blok-Campeau syndrome. Also called: INTELLECTUAL DEVELOPMENTAL DISORDER WITH MACROCEPHALY, SPEECH DELAY, AND DYSMORPHIC FACIES. Identifiers: Orphanet 599082, MedGen C4748701, MONDO:0032600, OMIM 618205.

Submission:

New York Genome Center
Classification: Likely pathogenic for Snijders Blok-Campeau syndrome. Last evaluated: 2021-06-04. Review status: criteria provided, single submitter. Criteria: NYGC Assertion Criteria 2020. Collection method: clinical testing. Allele origin: de novo. Observed: 1 heterozygote. Study: CSER-NYCKidSeq.
Comment: The de novo c.4254_4257delinsGTGGGGGTGGAGT (p.Asn1418_Gln1419delinsLysTrpGlyTrpSer) variant identified in the CHD3 gene is the deletion of 4 nucleotides and insertion of 13 nucleotides within exon 26/40. This is predicted to lead to the loss of two amino acids, p.Asn1418 and p.Gln1419 (1418-1419/2060), and the insertion of a Lysine, Tryptophan, Glycine, Tryptophan, and Serine within a very well conserved region of the protein. This variant is absent from gnomAD(v3.1.1) suggesting it is not a common benign variant in the populations represented in that database. It is absent from ClinVar and to our current knowledgehas not been reported in affected individuals in the literature. The p.Asn1418 and p.Gln1419 residues are within a domain of unknown function, where other missense and nonsense variants have been reported in affected individuals [PMID:32483341]. Given that it is de novo, its absence in population databases, and the alteration of protein length, the de novo c.4254_4257delinsGTGGGGGTGGAGT (p.Asn1418_Gln1419delinsLysTrpGlyTrpSer) variant identified in the CHD3 gene is reported as Likely Pathogenic.